The following is an entry in ClinVar:

ClinVar aggregate classification (germline): Uncertain significance (1 of 4 stars; one submission).

Submission:

Labcorp Genetics (formerly Invitae), Labcorp
Classification: Uncertain significance. Last evaluated: 2024-01-02. Review status: criteria provided, single submitter. Criteria: Invitae Variant Classification Sherloc (09022015). Collection method: clinical testing. Allele origin: germline.
Comment: This sequence change replaces arginine, which is basic and polar, with glycine, which is neutral and non-polar, at codon 660 of the GRIA3 protein (p.Arg660Gly). This variant is not present in population databases (gnomAD no frequency). This variant has not been reported in the literature in individuals affected with GRIA3-related conditions. ClinVar contains an entry for this variant (Variation ID: 2108304). Advanced modeling of protein sequence and biophysical properties (such as structural, functional, and spatial information, amino acid conservation, physicochemical variation, residue mobility, and thermodynamic stability) performed at Invitae indicates that this missense variant is expected to disrupt GRIA3 protein function with a positive predictive value of 80%. This variant disrupts the p.Arg660 amino acid residue in GRIA3. Other variant(s) that disrupt this residue have been determined to be pathogenic (PMID: 34161333). This suggests that this residue is clinically significant, and that variants that disrupt this residue are likely to be disease-causing. In summary, the available evidence is currently insufficient to determine the role of this variant in disease. Therefore, it has been classified as a Variant of Uncertain Significance.

Literature cited by the submitters: PubMed 34161333.

NM_007325.5(GRIA3):c.1978A>G (p.Arg660Gly)

Gene: GRIA3 (glutamate ionotropic receptor AMPA type subunit 3; plus strand). Cytogenetic location: Xq25.
Variant type: single nucleotide variant.
Coding change: c.1978A>G on transcript NM_007325.5 (MANE Select); coding-DNA position 1978, A replaced by G.
Protein change: p.Arg660Gly; replaces arginine 660 with glycine.
Molecular consequence: missense variant.
Genome position (GRCh38, 1-based): chrX:123,428,041, A>G. VCF-style: chrX-123428041-A-G. GRCh37 (hg19) VCF-style: chrX-122561892-A-G.
Other names: c.1978A>G, p.Arg660Gly (NM_000828.5); short protein forms R660G.
Identifiers: ClinVar variation 2108304 (VCV002108304.4), dbSNP rs2521237745, ClinGen allele CA414259900.